The following is an entry in ClinVar:

ClinVar aggregate classification (germline): Uncertain significance (1 of 4 stars; one submission).

Conditions:
Immunodeficiency, common variable, 7. Identifiers: Orphanet 1572, Orphanet 696894, MedGen C3542922, MONDO:0013862, OMIM 614699.

Allele frequency attached by ClinVar (database versions not stated): TOPMed 0.00002; gnomAD 0.00003; ExAC 0.00011.
gnomAD v4.1: 87 of 1,612,692 alleles (0.0054%); highest among the groups gnomAD compares: South Asian, 0.088%; no homozygotes.

Submission:

Labcorp Genetics (formerly Invitae), Labcorp
Classification: Uncertain significance for Immunodeficiency, common variable, 7. Last evaluated: 2022-02-22. Review status: criteria provided, single submitter. Criteria: Invitae Variant Classification Sherloc (09022015). Collection method: clinical testing. Allele origin: germline.
Comment: This sequence change replaces histidine, which is basic and polar, with tyrosine, which is neutral and polar, at codon 753 of the CR2 protein (p.His753Tyr). This variant is present in population databases (rs768845404, gnomAD 0.09%). This variant has not been reported in the literature in individuals affected with CR2-related conditions. Algorithms developed to predict the effect of missense changes on protein structure and function output the following: SIFT: "Tolerated"; PolyPhen-2: "Benign"; Align-GVGD: "Class C0". The tyrosine amino acid residue is found in multiple mammalian species, which suggests that this missense change does not adversely affect protein function. In summary, the available evidence is currently insufficient to determine the role of this variant in disease. Therefore, it has been classified as a Variant of Uncertain Significance.

NM_001006658.3(CR2):c.2257C>T (p.His753Tyr)

Gene: CR2 (complement C3d receptor 2; plus strand). Cytogenetic location: 1q32.2.
Variant type: single nucleotide variant.
Coding change: c.2257C>T on transcript NM_001006658.3 (MANE Select); coding-DNA position 2257, C replaced by T.
Protein change: p.His753Tyr; replaces histidine 753 with tyrosine.
Molecular consequence: missense variant.
Genome position (GRCh38, 1-based): chr1:207,474,257, C>T. VCF-style: chr1-207474257-C-T. GRCh37 (hg19) VCF-style: chr1-207647602-C-T.
Other names: c.2080C>T, p.His694Tyr (NM_001877.5); short protein forms H694Y, H753Y.
Identifiers: ClinVar variation 2140978 (VCV002140978.1), dbSNP rs768845404, ClinGen allele CA1368941.